The following is an entry in ClinVar:

ClinVar aggregate classification (germline): Likely benign (0 of 4 stars; one submission).

Conditions:
PLXNB3-related disorder. Also called: PLXNB3-related condition.

Allele frequency attached by ClinVar (database versions not stated): TOPMed 0.00059; ExAC 0.00062; gnomAD 0.00072; gnomAD exomes 0.00081; ESP Exome Variant Server 0.00085; 1000 Genomes Project 0.00106; 1000 Genomes Project 30x 0.00146.
gnomAD v4.1: 958 of 1,205,319 alleles (0.079%); highest among the groups gnomAD compares: Non-Finnish European, 0.095%; no homozygotes.

Submission:

PreventionGenetics, part of Exact Sciences
Classification: Likely benign for PLXNB3-related condition. Last evaluated: 2022-05-16. Review status: no assertion criteria provided. Collection method: clinical testing. Allele origin: germline.
Comment: This variant is classified as likely benign based on ACMG/AMP sequence variant interpretation guidelines (Richards et al. 2015 PMID: 25741868, with internal and published modifications).

NM_005393.3(PLXNB3):c.2023G>A (p.Val675Met)

Gene: PLXNB3 (plexin B3; plus strand). Cytogenetic location: Xq28.
Variant type: single nucleotide variant.
Coding change: c.2023G>A on transcript NM_005393.3 (MANE Select); coding-DNA position 2023, G replaced by A.
Protein change: p.Val675Met; replaces valine 675 with methionine.
Molecular consequence: missense variant.
Genome position (GRCh38, 1-based): chrX:153,770,770, G>A. VCF-style: chrX-153770770-G-A. GRCh37 (hg19) VCF-style: chrX-153036225-G-A.
Other names: c.2092G>A, p.Val698Met (NM_001163257.2); short protein forms V675M, V698M.
Identifiers: ClinVar variation 3043507 (VCV003043507.2), dbSNP rs150768754, ClinGen allele CA10551069.
Genomic context (GRCh38, chrX:153,770,770, plus strand): 5'-CAGTAGGCCCTTTGAGTTCTGAAGGGCTGAGGGCTCTTGTTTTCCCAGGTGGACATCCAG[G>A]TGCGTGGCCCAGGGGCTTGCCCACAGGTCGAAGGCCTGGCAGGTCCCCACCTGGTGCCTG-3'
Protein context (NP_005384.2, residues 665-685): IYSAQEVDIQ[Val675Met]RGPGACPQVE